The following is an entry in ClinVar:

NM_016222.4(DDX41):c.1226T>C (p.Ile409Thr)

Gene: DDX41 (DEAD-box helicase 41; minus strand). Cytogenetic location: 5q35.3.
Variant type: single nucleotide variant.
Coding change: c.1226T>C on transcript NM_016222.4 (MANE Select); coding-DNA position 1226, T replaced by C.
Protein change: p.Ile409Thr; replaces isoleucine 409 with threonine.
Molecular consequence: missense variant.
Genome position (GRCh38, 1-based): chr5:177,513,357, A>G on the plus strand (T>C on the coding strand, the complement: DDX41 is on the minus strand). VCF-style: chr5-177513357-A-G. GRCh37 (hg19) VCF-style: chr5-176940358-A-G.
Other names: c.848T>C, p.Ile283Thr (NM_001321732.2, NM_001321830.2); short protein forms I283T, I409T.
Identifiers: ClinVar variation 4617142 (VCV004617142.1).
Genomic context (GRCh38, chr5:177,513,357, plus strand): 5'-CTTGTCAGATCCAGCCCCCACAGGTGAGAGACCGCCCATCAGGAGCACCTGCCCACCTGG[A>G]TGACATCCAGGCTGGCAGCCCCAGCGCGCCCCACATTGATGGTCACAGGCTTTACAAGGG-3'
Protein context (NP_057306.2, residues 399-419): GRAGAASLDV[Ile409Thr]QEVEYVKEEA

ClinVar aggregate classification (germline): Uncertain significance (1 of 4 stars; one submission).

Conditions:
Inborn genetic diseases. Identifiers: MedGen C0950123, MeSH D030342.

gnomAD v4.1: 1 of 1,614,072 alleles (0.000062%); highest among the groups gnomAD compares: Non-Finnish European, 0.000085%; no homozygotes.

Submission:

Ambry Genetics
Classification: Uncertain significance for Inborn genetic diseases. Last evaluated: 2025-10-07. Review status: criteria provided, single submitter. Criteria: Ambry Variant Classification Scheme 2023. Collection method: clinical testing. Allele origin: germline.
Comment: The p.I409T variant (also known as c.1226T>C), located in coding exon 11 of the DDX41 gene, results from a T to C substitution at nucleotide position 1226. The isoleucine at codon 409 is replaced by threonine, an amino acid with similar properties. This amino acid position is well conserved in available vertebrate species. In addition, this alteration is predicted to be tolerated by in silico analysis. Based on the available evidence, the clinical significance of this variant remains unclear.